The following is an entry in ClinVar:

ClinVar aggregate classification (germline): Uncertain significance (1 of 4 stars; one submission).

Conditions:
Inborn genetic diseases. Identifiers: MedGen C0950123, MeSH D030342.

Submission:

Ambry Genetics
Classification: Uncertain significance for Inborn genetic diseases. Last evaluated: 2021-11-11. Review status: criteria provided, single submitter. Criteria: Ambry Variant Classification Scheme 2023. Collection method: clinical testing. Allele origin: germline.
Comment: The p.K319M variant (also known as c.956A>T), located in coding exon 5 of the PRDM12 gene, results from an A to T substitution at nucleotide position 956. The lysine at codon 319 is replaced by methionine, an amino acid with similar properties. This amino acid position is conserved. In addition, this alteration is predicted to be tolerated by in silico analysis. Since supporting evidence is limited at this time, the clinical significance of this alteration remains unclear.

NM_021619.3(PRDM12):c.956A>T (p.Lys319Met)

Gene: PRDM12 (PR/SET domain 12; plus strand). Cytogenetic location: 9q34.12.
Variant type: single nucleotide variant.
Coding change: c.956A>T on transcript NM_021619.3 (MANE Select); coding-DNA position 956, A replaced by T.
Protein change: p.Lys319Met; replaces lysine 319 with methionine.
Molecular consequence: missense variant.
Genome position (GRCh38, 1-based): chr9:130,681,521, A>T. VCF-style: chr9-130681521-A-T. GRCh37 (hg19) VCF-style: chr9-133556908-A-T.
Other names: short protein forms K319M.
Identifiers: ClinVar variation 1767406 (VCV001767406.2), dbSNP rs2490750484, ClinGen allele CA375245061.